The following is an entry in ClinVar:

NM_000122.2(ERCC3):c.2111C>T (p.Ser704Leu)

Gene: ERCC3 (ERCC excision repair 3, TFIIH core complex helicase subunit; minus strand). Cytogenetic location: 2q14.3.
Variant type: single nucleotide variant.
Coding change: c.2111C>T on transcript NM_000122.2 (MANE Select); coding-DNA position 2111, C replaced by T.
Protein change: p.Ser704Leu; replaces serine 704 with leucine.
Molecular consequence: missense variant.
Genome position (GRCh38, 1-based): chr2:127,259,402, G>A on the plus strand (C>T on the coding strand, the complement: ERCC3 is on the minus strand). VCF-style: chr2-127259402-G-A. GRCh37 (hg19) VCF-style: chr2-128016978-G-A.
Other names: c.1919C>T, p.Ser640Leu (NM_001303416.2, NM_001303418.2); short protein forms S704L, S640L.
Identifiers: ClinVar variation 134120 (VCV000134120.66), dbSNP rs4150521, ClinGen allele CA158827.

ClinVar aggregate classification (germline): Benign/Likely benign. Review status: criteria provided, multiple submitters, no conflicts (2 of 4 stars). 13 submissions from 13 submitters: Benign (1); Likely benign (7). 5 of the submissions do not count toward it. Last evaluated 2026-01-29.

Conditions:
ERCC3-related disorder. Also called: ERCC3-related condition.
Xeroderma pigmentosum (XP). Identifiers: Orphanet 910, MedGen C0043346, MONDO:0019600.
Xeroderma pigmentosum group B. Also called: XP, GROUP B; XPB/CS; XERODERMA PIGMENTOSUM B/COCKAYNE SYNDROME; ERCC3-Related Xeroderma Pigmentosum. Identifiers: MedGen C0268136, MONDO:0012531, OMIM 610651.

Allele frequency attached by ClinVar (database versions not stated): 1000 Genomes Project 30x 0.00078; 1000 Genomes Project 0.00100; TOPMed 0.00175; ESP Exome Variant Server 0.00192; ExAC 0.00217; gnomAD exomes 0.00220 and 0.00252; gnomAD 0.00227.
gnomAD v4.1: 4,016 of 1,614,128 alleles (0.25%); highest among the groups gnomAD compares: Admixed American, 0.31%; 9 homozygotes.

Submissions (13):

Labcorp Genetics (formerly Invitae), Labcorp
Classification: Benign. Last evaluated: 2026-01-29. Review status: criteria provided, single submitter. Criteria: Invitae Variant Classification Sherloc (09022015). Collection method: clinical testing. Allele origin: germline.

Dasa
Classification: Likely benign. Last evaluated: 2025-11-03. Review status: criteria provided, single submitter. Criteria: DASA Assertion Criteria. Collection method: clinical testing. Allele origin: germline.
Comment: NM_000122.2(ERCC3):c.2111C>T (p.Ser704Leu) is a missense variant that results in the substitution of serine with leucine. Population frequency is inconsistent with a disease-causing role for this variant, and observations in unaffected individuals support a benign interpretation. Therefore, based on the currently available evidence, this variant is classified as likely benign.

Blueprint Genetics
Classification: Likely benign. Last evaluated: 2024-11-26. Review status: criteria provided, single submitter. Criteria: ACMG Guidelines, 2015. Collection method: clinical testing. Allele origin: germline.

CeGaT Center for Human Genetics Tuebingen
Classification: Likely benign. Last evaluated: 2023-03-01. Review status: criteria provided, single submitter. Criteria: CeGaT Center For Human Genetics Tuebingen Variant Classification Criteria Version 2. Collection method: clinical testing. Allele origin: germline. Affected: yes. Observed: 3 variant alleles.
Comment: ERCC3: BS2

Sema4
Classification: Likely benign for Xeroderma pigmentosum. Last evaluated: 2022-01-12. Review status: criteria provided, single submitter. Criteria: Sema4 Curation Guidelines. Collection method: curation. Allele origin: germline.

GeneDx
Classification: Likely benign. Last evaluated: 2021-01-08. Review status: criteria provided, single submitter. Criteria: GeneDx Variant Classification Process June 2021. Collection method: clinical testing. Allele origin: germline. Affected: yes.
Comment: In silico analysis supports that this missense variant has a deleterious effect on protein structure/function; This variant is associated with the following publications: (PMID: 28259476, 27153395, 31346352, 30256826, 16550608, 30414346, 16574953, 24728327)

Mendelics
Classification: Likely benign for Xeroderma pigmentosum group B. Last evaluated: 2019-05-28. Review status: criteria provided, single submitter. Criteria: Mendelics Assertion Criteria 2017. Collection method: clinical testing. Allele origin: unknown.

Illumina Laboratory Services, Illumina
Classification: Likely benign for Xeroderma pigmentosum group B. Last evaluated: 2017-04-27. Review status: criteria provided, single submitter. Criteria: ICSL Variant Classification Criteria 13 December 2019. Collection method: clinical testing. Allele origin: germline.
Comment: This variant was observed as part of a predisposition screen in an ostensibly healthy population. A literature search was performed for the gene, cDNA change, and amino acid change (where applicable). No publications were found based on this search. Allele frequency data from public databases allowed determination this variant is unlikely to cause disease. Therefore, this variant is classified as likely benign.

PreventionGenetics, part of Exact Sciences
Classification: Benign for ERCC3-related condition. Last evaluated: 2020-02-25. Review status: no assertion criteria provided. Collection method: clinical testing. Allele origin: germline. Not counted in ClinVar's aggregate classification.
Comment: This variant is classified as benign based on ACMG/AMP sequence variant interpretation guidelines (Richards et al. 2015 PMID: 25741868, with internal and published modifications).

ITMI
No classification provided. Condition: AllHighlyPenetrant. Last evaluated: 2013-09-19. Review status: no classification provided. Collection method: reference population. Allele origin: germline. Not counted in ClinVar's aggregate classification.
Comment: Please see associated publication for description of ethnicities

Clinical Genetics DNA and cytogenetics Diagnostics Lab, Erasmus MC, Erasmus Medical Center
Classification: Uncertain significance. Review status: no assertion criteria provided. Collection method: clinical testing. Allele origin: germline. Affected: yes. Study: VKGL Data-share Consensus. Not counted in ClinVar's aggregate classification.

Department of Pathology and Laboratory Medicine, Sinai Health System
Classification: Likely benign. Review status: no assertion criteria provided. Collection method: clinical testing. Allele origin: unknown. Affected: yes. Study: The Canadian Open Genetics Repository (COGR). Not counted in ClinVar's aggregate classification.
Comment: The ERCC3 p.Ser640Leu variant was not identified in the literature but was identified in dbSNP (ID: rs4150521) and ClinVar (classified as benign by Invitae; likely benign by Mendelics for Xeroderma pigmentosum, complementation group b and uncertain significance by CeGaT Praxis fuer Humangenetik Tuebingen). The variant was identified in control databases in 607 of 268178 chromosomes (2 homozygous) at a frequency of 0.002263 increasing the likelihood this could be a low frequency benign variant (Genome Aggregation Database March 6, 2019, v2.1.1). The variant was observed in the following populations: European (Finnish) in 182 of 25100 chromosomes (freq: 0.007251), Other in 32 of 6702 chromosomes (freq: 0.004775), Latino in 103 of 35102 chromosomes (freq: 0.002934), European (non-Finnish) in 257 of 118038 chromosomes (freq: 0.002177), Ashkenazi Jewish in 12 of 9854 chromosomes (freq: 0.001218), African in 12 of 23604 chromosomes (freq: 0.000508) and South Asian in 9 of 30526 chromosomes (freq: 0.000295), but was not observed in the East Asian population. The p.Ser640 residue is conserved in mammals but not in more distantly related organisms, and computational analyses (PolyPhen-2, SIFT, AlignGVGD, BLOSUM, MutationTaster) suggest that the variant may impact the protein; however, this information is not predictive enough to assume pathogenicity. The variant occurs outside of the splicing consensus sequence and 1 of 4 in silico or computational prediction software programs (SpliceSiteFinder, MaxEntScan, NNSPLICE, GeneSplicer) predict a greater than 10% difference in splicing; this is not very predictive of pathogenicity. In summary, based on the above information the clinical significance of this variant cannot be determined with certainty at this time although we would lean towards a more benign role for this variant. This variant is classified as likely benign.

Genome Diagnostics Laboratory, Amsterdam University Medical Center
Classification: Uncertain significance. Review status: no assertion criteria provided. Collection method: clinical testing. Allele origin: germline. Affected: yes. Study: VKGL Data-share Consensus. Not counted in ClinVar's aggregate classification.

Literature cited by the submitters: PubMed 24728327 (cited by ITMI).